The following is an entry in ClinVar:

NM_006231.4(POLE):c.1774C>G (p.Gln592Glu)

Gene: POLE (DNA polymerase epsilon, catalytic subunit; minus strand). Cytogenetic location: 12q24.33.
Variant type: single nucleotide variant.
Coding change: c.1774C>G on transcript NM_006231.4 (MANE Select); coding-DNA position 1774, C replaced by G.
Protein change: p.Gln592Glu; replaces glutamine 592 with glutamic acid.
Molecular consequence: missense variant.
Genome position (GRCh38, 1-based): chr12:132,672,235, G>C on the plus strand (C>G on the coding strand, the complement: POLE is on the minus strand). VCF-style: chr12-132672235-G-C. GRCh37 (hg19) VCF-style: chr12-133248821-G-C.
Other names: short protein forms Q592E.
Identifiers: ClinVar variation 3422084 (VCV003422084.1).

ClinVar aggregate classification (germline): Uncertain significance (1 of 4 stars; one submission).

Conditions:
Hereditary cancer-predisposing syndrome. Also called: Neoplastic Syndromes, Hereditary; Tumor predisposition; Hereditary Cancer Syndrome; Hereditary neoplastic syndrome. Identifiers: Orphanet 140162, MedGen C0027672, MeSH D009386, MONDO:0015356.

Submission:

Ambry Genetics
Classification: Uncertain significance for Hereditary cancer-predisposing syndrome. Last evaluated: 2024-08-24. Review status: criteria provided, single submitter. Criteria: Ambry Variant Classification Scheme 2023. Collection method: clinical testing. Allele origin: germline.
Comment: The p.Q592E variant (also known as c.1774C>G), located in coding exon 16 of the POLE gene, results from a C to G substitution at nucleotide position 1774. The glutamine at codon 592 is replaced by glutamic acid, an amino acid with highly similar properties. This amino acid position is conserved. In addition, this alteration is predicted to be tolerated by in silico analysis. Based on the available evidence, the clinical significance of this variant remains unclear.